The following is an entry in ClinVar:

NM_194293.4(XIRP1):c.2576C>T (p.Pro859Leu)

Gene: XIRP1 (xin actin binding repeat containing 1; minus strand). Cytogenetic location: 3p22.2.
Variant type: single nucleotide variant.
Coding change: c.2576C>T on transcript NM_194293.4 (MANE Select); coding-DNA position 2576, C replaced by T.
Protein change: p.Pro859Leu; replaces proline 859 with leucine.
Molecular consequence: missense variant. On other transcripts: intron variant (1).
Genome position (GRCh38, 1-based): chr3:39,186,870, G>A on the plus strand (C>T on the coding strand, the complement: XIRP1 is on the minus strand). VCF-style: chr3-39186870-G-A. GRCh37 (hg19) VCF-style: chr3-39228361-G-A.
Other names: c.2576C>T, p.Pro859Leu (NM_001198621.4); c.-167-1209C>T (NM_001351377.2); short protein forms P859L.
Identifiers: ClinVar variation 3039566 (VCV003039566.2), dbSNP rs150942268, ClinGen allele CA2326234.
Genomic context (GRCh38, chr3:39,186,870, plus strand): 5'-TGGAGCTCAGGGTCCATGTCTTCAATATTCCCACTGCTGCCTGGAGTTGGCAGCCTCAGC[G>A]GCTTGAGTTGGAGCTGGCCAGTTGGGTCTTCCTGCACCAGCAGCCCCTGCTGGTCCACAT-3'
Protein context (NP_919269.2, residues 849-869): EDPTGQLQLK[Pro859Leu]LRLPTPGSSG

ClinVar aggregate classification (germline): Benign (0 of 4 stars; one submission).

Conditions:
XIRP1-related disorder. Also called: XIRP1-related condition.

Allele frequency attached by ClinVar (database versions not stated): ExAC 0.00092; gnomAD 0.00228; ESP Exome Variant Server 0.00231; TOPMed 0.00288; 1000 Genomes Project 0.00319; 1000 Genomes Project 30x 0.00344.

Submission:

PreventionGenetics, part of Exact Sciences
Classification: Benign for XIRP1-related condition. Last evaluated: 2019-05-27. Review status: no assertion criteria provided. Collection method: clinical testing. Allele origin: germline.
Comment: This variant is classified as benign based on ACMG/AMP sequence variant interpretation guidelines (Richards et al. 2015 PMID: 25741868, with internal and published modifications).